The following is an entry in ClinVar:

ClinVar aggregate classification (germline): Benign. Review status: criteria provided, single submitter (1 of 4 stars). 4 submissions from 4 submitters: Benign (1). 3 of the submissions do not count toward it. Last evaluated 2024-08-01.

Submissions (4):

CeGaT Center for Human Genetics Tuebingen
Classification: Benign. Last evaluated: 2024-08-01. Review status: criteria provided, single submitter. Criteria: CeGaT Center For Human Genetics Tuebingen Variant Classification Criteria Version 2. Collection method: clinical testing. Allele origin: germline. Affected: yes. Observed: 1 variant allele.
Comment: MAML2: PM4:Supporting, BS1, BS2

Clinical Genetics DNA and cytogenetics Diagnostics Lab, Erasmus MC, Erasmus Medical Center
Classification: Benign. Review status: no assertion criteria provided. Collection method: clinical testing. Allele origin: germline. Affected: yes. Study: VKGL Data-share Consensus. Not counted in ClinVar's aggregate classification.

Diagnostic Laboratory, Department of Genetics, University Medical Center Groningen
Classification: Benign. Review status: no assertion criteria provided. Collection method: clinical testing. Allele origin: germline. Affected: yes. Study: VKGL Data-share Consensus. Not counted in ClinVar's aggregate classification.

Genome Diagnostics Laboratory, University Medical Center Utrecht
Classification: Likely benign. Review status: no assertion criteria provided. Collection method: clinical testing. Allele origin: germline. Affected: yes. Study: VKGL Data-share Consensus. Not counted in ClinVar's aggregate classification.

NM_032427.4(MAML2):c.1782GCA[12] (p.Gln621del)

Gene: MAML2 (mastermind like transcriptional coactivator 2; minus strand). Cytogenetic location: 11q21.
Variant type: Microsatellite.
Coding change: c.1782GCA[12] on transcript NM_032427.4 (MANE Select); 12 copies in a row of the 3-base unit GCA starting at c.1782; the reference has 13 copies in a row; one copy, 3 bases deleted.
Protein change: p.Gln621del; deletes glutamine 621.
Molecular consequence: inframe deletion.
Genome position (GRCh38, 1-based): chr11:96,092,211-96,092,213, TGC deleted on the plus strand (GCA on the coding strand, the reverse complement: MAML2 is on the minus strand); deleting any 3 consecutive bases within chr11:96,092,211-96,092,251 gives the same sequence; the position shown is the placement nearest the transcript's 3' end. VCF-style (leftmost placement, unchanged base first): chr11-96092210-TTGC-T. GRCh37 (hg19) VCF-style: chr11-95825374-TTGC-T.
Other names: short protein forms Q621del.
Identifiers: ClinVar variation 1174861 (VCV001174861.21), dbSNP rs60727839, ClinGen allele CA6240871.